The following is an entry in ClinVar:

ClinVar aggregate classification (germline): Likely pathogenic (1 of 4 stars; one submission).

Conditions:
Coffin-Siris syndrome 1 (CSS1). Also called: ARID1B-Related Coffin-Siris Syndrome; Mental retardation, autosomal dominant 12. Identifiers: Orphanet 1465, MedGen C3281201, MONDO:0007617, OMIM 135900. Disease mechanism: gain of function.

Submission:

3billion
Classification: Likely pathogenic for Coffin-Siris syndrome 1. Last evaluated: 2022-09-01. Review status: criteria provided, single submitter. Criteria: ACMG Guidelines, 2015. Collection method: clinical testing. Allele origin: germline. Affected: yes. Observed: 1 heterozygote.
Comment: The variant is not observed in the gnomAD v2.1.1 dataset. Canonical splice site is predicted to alter splicing and result in a loss or disruption of normal protein function. Multiple pathogenic variants are reported in the predicted truncated region. Therefore, this variant is classified as Likely pathogenic according to the recommendation of ACMG/AMP guideline.

NM_001374828.1(ARID1B):c.5395-1G>A

Gene: ARID1B (AT-rich interaction domain 1B; plus strand). Cytogenetic location: 6q25.3.
Variant type: single nucleotide variant.
Coding change: c.5395-1G>A on transcript NM_001374828.1 (MANE Select); the canonical splice acceptor site of the intron before coding-DNA position 5395, G replaced by A.
Molecular consequence: splice acceptor variant.
Genome position (GRCh38, 1-based): chr6:157,206,166, G>A. VCF-style: chr6-157206166-G-A. GRCh37 (hg19) VCF-style: chr6-157527300-G-A.
Other names: c.5275-1G>A (NM_001371656.1, NM_001374820.1); c.5236-1G>A (NM_017519.3); c.2896-1G>A (NM_001363725.2).
Identifiers: ClinVar variation 1705573 (VCV001705573.1), dbSNP rs2538754639, ClinGen allele CA366245427.